The following is an entry in ClinVar:

NM_000093.5(COL5A1):c.4657C>T (p.Pro1553Ser)

Genes: COL5A1 (collagen type V alpha 1 chain; plus strand), LOC101448202 (uncharacterized LOC101448202; minus strand). Cytogenetic location: 9q34.3.
Variant type: single nucleotide variant.
Coding change: c.4657C>T on transcript NM_000093.5 (MANE Select); coding-DNA position 4657, C replaced by T.
Protein change: p.Pro1553Ser; replaces proline 1553 with serine.
Molecular consequence: missense variant.
Genome position (GRCh38, 1-based): chr9:134,823,428, C>T. VCF-style: chr9-134823428-C-T. GRCh37 (hg19) VCF-style: chr9-137715274-C-T.
Other names: c.4657C>T, p.Pro1553Ser (NM_001278074.1); short protein forms P1553S.
Identifiers: ClinVar variation 966965 (VCV000966965.10), dbSNP rs1172057382, ClinGen allele CA375458178.
Genomic context (GRCh38, chr9:134,823,428, plus strand): 5'-CCCCTCATACCTCTGTGACCAAGGGTTGATTCTTTTCTTTCTCCCCAGGGTCCAACTGGC[C>T]CGAAGGGTGAGGCAGGCCACCCAGGACCCCCAGGCCCCCCGGTAAGTAGCCCTTGAAGCC-3'
Protein context (NP_000084.3, residues 1543-1563): GAKGSSGPTG[Pro1553Ser]KGEAGHPGPP

ClinVar aggregate classification (germline): Uncertain significance (1 of 4 stars; one submission).

Conditions:
Ehlers-Danlos syndrome, classic type, 1 (EDSCL1). Also called: EHLERS-DANLOS SYNDROME, GRAVIS TYPE; EHLERS-DANLOS SYNDROME, SEVERE CLASSIC TYPE; EDS I; Ehlers-Danlos Syndrome, Classic Type, COL5A1-Related; Ehlers-Danlos syndrome, type 1. Identifiers: MedGen C0268335, MONDO:0019567, OMIM 130000.

Allele frequency attached by ClinVar (database versions not stated): gnomAD exomes below 0.00001.
gnomAD v4.1: 3 of 1,614,186 alleles (0.00019%); highest among the groups gnomAD compares: Non-Finnish European, 0.00025%; no homozygotes.

Submission:

Labcorp Genetics (formerly Invitae), Labcorp
Classification: Uncertain significance for Ehlers-Danlos syndrome, classic type, 1. Last evaluated: 2019-10-03. Review status: criteria provided, single submitter. Criteria: Invitae Variant Classification Sherloc (09022015). Collection method: clinical testing. Allele origin: germline.
Comment: In summary, the available evidence is currently insufficient to determine the role of this variant in disease. Therefore, it has been classified as a Variant of Uncertain Significance. Algorithms developed to predict the effect of missense changes on protein structure and function are either unavailable or do not agree on the potential impact of this missense change (SIFT: "Deleterious"; PolyPhen-2: "Not Available"; Align-GVGD: "Class C0"). This variant has not been reported in the literature in individuals with COL5A1-related conditions. This variant is not present in population databases (ExAC no frequency). This sequence change replaces proline with serine at codon 1553 of the COL5A1 protein (p.Pro1553Ser). The proline residue is highly conserved and there is a moderate physicochemical difference between proline and serine.